The following is an entry in ClinVar:

ClinVar aggregate classification (germline): Uncertain significance. Review status: criteria provided, multiple submitters, no conflicts (2 of 4 stars). 3 submissions from 3 submitters: Uncertain significance (3). Last evaluated 2025-09-17.

Conditions:
Inborn genetic diseases. Identifiers: MedGen C0950123, MeSH D030342.
Sucrase-isomaltase deficiency (CSID). Also called: Deficiency of isomaltase; SI DEFICIENCY; Congenital sucrose isomaltose malabsorption; Sucrose isomaltose enzyme deficiency. Identifiers: Orphanet 35122, MedGen C1283620, MONDO:0009114, OMIM 222900.

Allele frequency attached by ClinVar (database versions not stated): gnomAD 0.00006; ESP Exome Variant Server 0.00008; TOPMed 0.00008.
gnomAD v4.1: 30 of 1,502,448 alleles (0.002%); highest among the groups gnomAD compares: African/African-American, 0.015%; no homozygotes.

Submissions (3):

Labcorp Genetics (formerly Invitae), Labcorp
Classification: Uncertain significance. Last evaluated: 2025-09-17. Review status: criteria provided, single submitter. Criteria: Invitae Variant Classification Sherloc (09022015). Collection method: clinical testing. Allele origin: germline.
Comment: This sequence change replaces glycine, which is neutral and non-polar, with serine, which is neutral and polar, at codon 276 of the SI protein (p.Gly276Ser). The frequency data for this variant in the population databases is considered unreliable, as metrics indicate poor data quality at this position in the gnomAD database. This variant has not been reported in the literature in individuals affected with SI-related conditions. ClinVar contains an entry for this variant (Variation ID: 1976214). Invitae Evidence Modeling of protein sequence and biophysical properties (such as structural, functional, and spatial information, amino acid conservation, physicochemical variation, residue mobility, and thermodynamic stability) indicates that this missense variant is expected to disrupt SI protein function with a positive predictive value of 95%. Algorithms developed to predict the effect of sequence changes on RNA splicing suggest that this variant may disrupt the consensus splice site. In summary, the available evidence is currently insufficient to determine the role of this variant in disease. Therefore, it has been classified as a Variant of Uncertain Significance.

Ambry Genetics
Classification: Uncertain significance for Inborn genetic diseases. Last evaluated: 2024-10-07. Review status: criteria provided, single submitter. Criteria: Ambry Variant Classification Scheme 2023. Collection method: clinical testing. Allele origin: germline.

Fulgent Genetics
Classification: Uncertain significance for Sucrase-isomaltase deficiency. Last evaluated: 2024-05-17. Review status: criteria provided, single submitter. Criteria: ACMG Guidelines, 2015. Collection method: clinical testing. Allele origin: germline.

NM_001041.4(SI):c.826G>A (p.Gly276Ser)

Gene: SI (sucrase-isomaltase; minus strand). Cytogenetic location: 3q26.1.
Variant type: single nucleotide variant.
Coding change: c.826G>A on transcript NM_001041.4 (MANE Select); coding-DNA position 826, G replaced by A.
Protein change: p.Gly276Ser; replaces glycine 276 with serine.
Molecular consequence: missense variant.
Genome position (GRCh38, 1-based): chr3:165,063,523, C>T on the plus strand (G>A on the coding strand, the complement: SI is on the minus strand). VCF-style: chr3-165063523-C-T. GRCh37 (hg19) VCF-style: chr3-164781311-C-T.
Other names: c.826G>A (NM_001041.3); short protein forms G276S.
Identifiers: ClinVar variation 1976214 (VCV001976214.5), dbSNP rs371801531, ClinGen allele CA2691292.